The following is an entry in ClinVar:

NM_001904.4(CTNNB1):c.841A>T (p.Lys281Ter)

Gene: CTNNB1 (catenin beta 1; plus strand). Cytogenetic location: 3p22.1.
Variant type: single nucleotide variant.
Coding change: c.841A>T on transcript NM_001904.4 (MANE Select); coding-DNA position 841, A replaced by T.
Protein change: p.Lys281Ter; replaces lysine 281 with a stop codon.
Molecular consequence: nonsense.
Genome position (GRCh38, 1-based): chr3:41,225,766, A>T. VCF-style: chr3-41225766-A-T. GRCh37 (hg19) VCF-style: chr3-41267257-A-T.
Other names: c.841A>T, p.Lys281Ter (NM_001098209.2, NM_001098210.2); c.820A>T, p.Lys274Ter (NM_001330729.2); short protein forms K281*, K274*.
Identifiers: ClinVar variation 379284 (VCV000379284.2), dbSNP rs1057520556, ClinGen allele CA16604470.

ClinVar aggregate classification (germline): Pathogenic (1 of 4 stars; one submission).

Submission:

GeneDx
Classification: Pathogenic. Last evaluated: 2015-03-30. Review status: criteria provided, single submitter. Criteria: GeneDx Variant Classification (06012015). Collection method: clinical testing. Allele origin: germline. Affected: yes.
Comment: The K281X variant in the CTNNB1 gene has not been reported previously as a pathogenic variant nor as a benign polymorphism, to our knowledge. This variant is predicted to cause loss ofnormal protein function either through protein truncation or nonsense-mediated mRNA decay. TheK281X variant was not observed in approximately 6,500 individuals of European and AfricanAmerican ancestry in the NHLBI Exome Sequencing Project, indicating it is not a common benignvariant in these populations. We interpret K281X as a pathogenic variant.